The following is an entry in ClinVar:

ClinVar aggregate classification (germline): Uncertain significance (1 of 4 stars; one submission).

gnomAD v4.1: 40 of 1,581,176 alleles (0.0025%); highest among the groups gnomAD compares: Admixed American, 0.06%; no homozygotes.

Submission:

Greenwood Genetic Center Diagnostic Laboratories, Greenwood Genetic Center
Classification: Uncertain significance. Last evaluated: 2025-01-22. Review status: criteria provided, single submitter. Criteria: ACMG Guidelines, 2015. Collection method: clinical testing. Allele origin: germline.
Comment: BP4

NM_002156.5(HSPD1):c.1652A>G (p.Lys551Arg)

Gene: HSPD1 (heat shock protein family D (Hsp60) member 1; minus strand). Cytogenetic location: 2q33.1.
Variant type: single nucleotide variant.
Coding change: c.1652A>G on transcript NM_002156.5 (MANE Select); coding-DNA position 1652, A replaced by G.
Protein change: p.Lys551Arg; replaces lysine 551 with arginine.
Molecular consequence: missense variant.
Genome position (GRCh38, 1-based): chr2:197,487,116, T>C on the plus strand (A>G on the coding strand, the complement: HSPD1 is on the minus strand). VCF-style: chr2-197487116-T-C. GRCh37 (hg19) VCF-style: chr2-198351840-T-C.
Other names: c.1652A>G, p.Lys551Arg (NM_199440.2); short protein forms K551R.
Identifiers: ClinVar variation 4851768 (VCV004851768.1).
Genomic context (GRCh38, chr2:197,487,116, plus strand): 5'-CCACCTCCCATACCACCTCCCATTCCACCCATTGCACCCATTCCAGGGTCCTTCTCTTCT[T>C]TAGGAATTTCTGTGACTACAACTTCTGCTGTAGTTAACAGAGAGGCCACACCAGCAGCAT-3'
Protein context (NP_002147.2, residues 541-561): TAEVVVTEIP[Lys551Arg]EEKDPGMGAM